The following is an entry in ClinVar:

NC_000019.10:g.(?_47818438)_(47886257_?)del

Genes: CRX (cone-rod homeobox; plus strand), SULT2A1 (sulfotransferase family 2A member 1; minus strand). Cytogenetic location: 19q13.33.
Variant type: Deletion.
Identifiers: ClinVar variation 832580 (VCV000832580.1).

ClinVar aggregate classification (germline): Uncertain significance (1 of 4 stars; one submission).

Conditions:
Leber congenital amaurosis 7 (LCA7). Identifiers: Orphanet 65, MedGen C3151192, MONDO:0013449, OMIM 613829.
Cone-rod dystrophy 2 (CORD2). Also called: CONE-ROD RETINAL DYSTROPHY; Cone-rod retinal dystrophy 2. Identifiers: Orphanet 1872, MedGen C3489532, MONDO:0007362, OMIM 120970.

Submission:

Labcorp Genetics (formerly Invitae), Labcorp
Classification: Uncertain significance for Cone-rod dystrophy 2; Leber congenital amaurosis 7. Last evaluated: 2020-01-03. Review status: criteria provided, single submitter. Criteria: Invitae Variant Classification Sherloc (09022015). Collection method: clinical testing. Allele origin: germline.
Comment: A gross deletion of the genomic region encompassing the full coding sequence of the CRX gene has been identified. The boundaries of this event are unknown as the deletion extends beyond the assayed region for this gene and therefore may encompass additional genes. Isolated whole-gene deletions of CRX have not been reported in the literature. However, larger copy number events that include this gene have been reported (PMID: 30557390). The current clinical and genetic evidence is not sufficient to establish whether loss-of-function variants in CRX cause disease. In summary, the available evidence is currently insufficient to determine the role of this variant in disease. Therefore, it has been classified as a Variant of Uncertain Significance.

Literature cited by the submitters: PubMed 30557390.